The following is an entry in ClinVar:

ClinVar aggregate classification (germline): Pathogenic (1 of 4 stars; one submission).

Conditions:
Primary ciliary dyskinesia. Also called: Ciliary dyskinesia. Identifiers: Orphanet 244, MedGen C0008780, MONDO:0016575, HP:0012265.

Submission:

Labcorp Genetics (formerly Invitae), Labcorp
Classification: Pathogenic for Primary ciliary dyskinesia. Last evaluated: 2025-12-20. Review status: criteria provided, single submitter. Criteria: Invitae Variant Classification Sherloc (09022015). Collection method: clinical testing. Allele origin: germline.
Comment: This sequence change creates a premature translational stop signal (p.Gln4250*) in the DNAH5 gene. It is expected to result in an absent or disrupted protein product. Loss-of-function variants in DNAH5 are known to be pathogenic (PMID: 11788826, 16627867). This variant is not present in population databases (gnomAD no frequency). This variant has not been reported in the literature in individuals affected with DNAH5-related conditions. Algorithms developed to predict the effect of sequence changes on RNA splicing suggest that this variant may disrupt the consensus splice site. For these reasons, this variant has been classified as Pathogenic.

Literature cited by the submitters: PubMed 11788826; PubMed 16627867.

NM_001369.3(DNAH5):c.12748C>T (p.Gln4250Ter)

Gene: DNAH5 (dynein axonemal heavy chain 5; minus strand). Cytogenetic location: 5p15.2.
Variant type: single nucleotide variant.
Coding change: c.12748C>T on transcript NM_001369.3 (MANE Select); coding-DNA position 12748, C replaced by T.
Protein change: p.Gln4250Ter; replaces glutamine 4250 with a stop codon.
Molecular consequence: nonsense.
Genome position (GRCh38, 1-based): chr5:13,716,648, G>A on the plus strand (C>T on the coding strand, the complement: DNAH5 is on the minus strand). VCF-style: chr5-13716648-G-A. GRCh37 (hg19) VCF-style: chr5-13716757-G-A.
Other names: short protein forms Q4250*.
Identifiers: ClinVar variation 4696260 (VCV004696260.1).
Genomic context (GRCh38, chr5:13,716,648, plus strand): 5'-CCTTAGCAAATGTGTTCAACAATCTCTTATCATAGTCGTCAGTGACTCTGCCTCCATATT[G>A]AATCTCTCCTATCATGTAGCGGATGGTGGTCCAGGAGACACCCTGGGAAATTTTATAGAA-3'